The following is an entry in ClinVar:

NM_002691.4(POLD1):c.-1-5A>T

Gene: POLD1 (DNA polymerase delta 1, catalytic subunit; plus strand). Cytogenetic location: 19q13.33.
Variant type: single nucleotide variant.
Coding change: c.-1-5A>T on transcript NM_002691.4 (MANE Select); 5 bases into the intron before 1 bases upstream of the start codon, A replaced by T.
Molecular consequence: intron variant. On other transcripts: splice acceptor variant (1).
Genome position (GRCh38, 1-based): chr19:50,398,846, A>T. VCF-style: chr19-50398846-A-T. GRCh37 (hg19) VCF-style: chr19-50902103-A-T.
Other names: c.-4-2A>T (NM_001256849.1); c.-1-5A>T (NM_002691.2).
Identifiers: ClinVar variation 382246 (VCV000382246.2), dbSNP rs1057521291, ClinGen allele CA16608239.
Genomic context (GRCh38, chr19:50,398,846, plus strand): 5'-CCATGGAGACAGGGTAAGAGGTGTCTCCGGTCAGAACCTCCACCAAGCTCCAACTTGCCC[A>T]GCAGGATGGATGGCAAGCGGCGGCCAGGCCCAGGGCCCGGGGTGCCCCCAAAGCGGGCCC-3'

ClinVar aggregate classification (germline): Conflicting classifications of pathogenicity. Review status: criteria provided, conflicting classifications (1 of 4 stars). 2 submissions from 2 submitters: Uncertain significance (1); Likely benign (1). Last evaluated 2025-01-06.

Conditions:
Hereditary cancer-predisposing syndrome. Also called: Tumor predisposition; Hereditary neoplastic syndrome; Neoplastic Syndromes, Hereditary; Hereditary Cancer Syndrome. Identifiers: Orphanet 140162, MedGen C0027672, MeSH D009386, MONDO:0015356.

gnomAD v4.1: 1 of 1,608,130 alleles (0.000062%); highest among the groups gnomAD compares: Non-Finnish European, 0.000085%; no homozygotes.

Submissions (2):

Ambry Genetics
Classification: Uncertain significance for Hereditary cancer-predisposing syndrome. Last evaluated: 2025-01-06. Review status: criteria provided, single submitter. Criteria: Ambry Variant Classification Scheme 2023. Collection method: clinical testing. Allele origin: germline.
Comment: The c.-1-5A>T intronic variant is located in the 5' untranslated region (5&rsquo; UTR) of the POLD1 gene. This intronic variant results from an A to T substitution 6 nucleotides upstream from the first translated codon. This nucleotide position is not well conserved in available vertebrate species. In silico splice site analysis predicts that this alteration will not have any significant effect on splicing. Based on the available evidence, the clinical significance of this variant remains unclear.

GeneDx
Classification: Likely benign. Last evaluated: 2016-11-22. Review status: criteria provided, single submitter. Criteria: GeneDx Variant Classification (06012015). Collection method: clinical testing. Allele origin: germline. Affected: yes.
Comment: This variant is considered likely benign or benign based on one or more of the following criteria: it is a conservative change, it occurs at a poorly conserved position in the protein, it is predicted to be benign by multiple in silico algorithms, and/or has population frequency not consistent with disease.